The following is an entry in ClinVar:

NM_018109.4(MTPAP):c.1242A>G (p.Ile414Met)

Gene: MTPAP (mitochondrial poly(A) polymerase; minus strand). Cytogenetic location: 10p11.23.
Variant type: single nucleotide variant.
Coding change: c.1242A>G on transcript NM_018109.4 (MANE Select); coding-DNA position 1242, A replaced by G.
Protein change: p.Ile414Met; replaces isoleucine 414 with methionine.
Molecular consequence: missense variant.
Genome position (GRCh38, 1-based): chr10:30,316,188, T>C on the plus strand (A>G on the coding strand, the complement: MTPAP is on the minus strand). VCF-style: chr10-30316188-T-C. GRCh37 (hg19) VCF-style: chr10-30605117-T-C.
Other names: short protein forms I414M.
Identifiers: ClinVar variation 1951882 (VCV001951882.2), dbSNP rs1422829723, ClinGen allele CA376435245.

ClinVar aggregate classification (germline): Uncertain significance (1 of 4 stars; one submission).

Allele frequency attached by ClinVar (database versions not stated): gnomAD exomes below 0.00001; TOPMed 0.00001; gnomAD 0.00003.

Submission:

Labcorp Genetics (formerly Invitae), Labcorp
Classification: Uncertain significance. Last evaluated: 2022-03-17. Review status: criteria provided, single submitter. Criteria: Invitae Variant Classification Sherloc (09022015). Collection method: clinical testing. Allele origin: germline.
Comment: This sequence change replaces isoleucine, which is neutral and non-polar, with methionine, which is neutral and non-polar, at codon 414 of the MTPAP protein (p.Ile414Met). This variant is not present in population databases (gnomAD no frequency). This variant has not been reported in the literature in individuals affected with MTPAP-related conditions. Algorithms developed to predict the effect of missense changes on protein structure and function are either unavailable or do not agree on the potential impact of this missense change (SIFT: "Deleterious"; PolyPhen-2: "Benign"; Align-GVGD: "Class C0"). In summary, the available evidence is currently insufficient to determine the role of this variant in disease. Therefore, it has been classified as a Variant of Uncertain Significance.